The following is an entry in ClinVar:

ClinVar aggregate classification (germline): Uncertain significance (1 of 4 stars; one submission).

gnomAD v4.1: 3 of 1,551,772 alleles (0.00019%); highest among the groups gnomAD compares: East Asian, 0.0024%; no homozygotes.

Submission:

GeneDx
Classification: Uncertain significance. Last evaluated: 2019-05-11. Review status: criteria provided, single submitter. Criteria: GeneDx Variant Classification Process June 2021. Collection method: clinical testing. Allele origin: germline. Affected: yes.
Comment: Not observed in large population cohorts (Lek et al., 2016); In silico analysis, which includes protein predictors and evolutionary conservation, supports that this variant does not alter protein structure/function; Has not been previously published as pathogenic or benign to our knowledge

NM_198525.3(KIF7):c.393C>G (p.Ile131Met)

Gene: KIF7 (kinesin family member 7; minus strand). Cytogenetic location: 15q26.1.
Variant type: single nucleotide variant.
Coding change: c.393C>G on transcript NM_198525.3 (MANE Select); coding-DNA position 393, C replaced by G.
Protein change: p.Ile131Met; replaces isoleucine 131 with methionine.
Molecular consequence: missense variant.
Genome position (GRCh38, 1-based): chr15:89,649,877, G>C on the plus strand (C>G on the coding strand, the complement: KIF7 is on the minus strand). VCF-style: chr15-89649877-G-C. GRCh37 (hg19) VCF-style: chr15-90193108-G-C.
Other names: short protein forms I131M.
Identifiers: ClinVar variation 1305550 (VCV001305550.2), dbSNP rs537169269, ClinGen allele CA393777285.
Genomic context (GRCh38, chr15:89,649,877, plus strand): 5'-CTCCTTGTACACTTCCAGGTAGGACACATGTACCAGACAGTCAAGCAGGTCGTTCTCATC[G>C]ATGAGCTTGAAGGCCTCGGCCATGGCCCTCGGGACAATGCCCTGCTCATCCTCAAGGAGG-3'
Protein context (NP_940927.2, residues 121-141): PRAMAEAFKL[Ile131Met]DENDLLDCLV